The following is an entry in ClinVar:

NM_001105206.3(LAMA4):c.5113-111_5113-110del

Gene: LAMA4 (laminin subunit alpha 4; minus strand). Cytogenetic location: 6q21.
Variant type: Deletion.
Coding change: c.5113-111_5113-110del on transcript NM_001105206.3 (MANE Select); 111 bases into the intron before coding-DNA position 5113 through 110 bases into the intron before coding-DNA position 5113, 2 bases deleted (AT; older notation c.5113-111_5113-110delAT).
Molecular consequence: intron variant.
Genome position (GRCh38, 1-based): chr6:112,114,866-112,114,867, AT deleted on the plus strand (AT on the coding strand, the reverse complement: LAMA4 is on the minus strand). VCF-style (leftmost placement, unchanged base first): chr6-112114865-CAT-C. GRCh37 (hg19) VCF-style: chr6-112436068-CAT-C.
Other names: c.5092-111_5092-110del (NM_002290.5, NM_001105207.3).
Identifiers: ClinVar variation 675677 (VCV000675677.1), dbSNP rs113252304, ClinGen allele CA451593324.
Genomic context (GRCh38, chr6:112,114,865, plus strand): 5'-TAAAACTGAATTTCTTAAATAATTTACCACAGTGAAGCAATACTTCAACAAATATTCACA[CAT>C]GATTAGCTTTGCAATTTGAACACAAGGGTCTTTGGCAGCCTATAGAAATAGGTTCAACTG-3'

ClinVar aggregate classification (germline): Benign (1 of 4 stars; one submission).

Allele frequency attached by ClinVar (database versions not stated): gnomAD exomes 0.00168; gnomAD 0.01585 and 0.01688; TOPMed 0.01677; 1000 Genomes Project 0.01837; 1000 Genomes Project 30x 0.01889.

Submission:

GeneDx
Classification: Benign. Last evaluated: 2018-06-14. Review status: criteria provided, single submitter. Criteria: GeneDx Variant Classification (06012015). Collection method: clinical testing. Allele origin: germline. Affected: yes.
Comment: This variant is considered likely benign or benign based on one or more of the following criteria: it is a conservative change, it occurs at a poorly conserved position in the protein, it is predicted to be benign by multiple in silico algorithms, and/or has population frequency not consistent with disease.